The following is an entry in ClinVar:

ClinVar aggregate classification (germline): Likely pathogenic (1 of 4 stars; one submission).

Conditions:
Jeune thoracic dystrophy. Also called: Jeune's syndrome; Chondroectodermal dysplasia-like syndrome; Short-rib thoracic dysplasia; Jeune syndrome; Infantile thoracic dystrophy; Thoracic pelvic phalangeal dystrophy. Identifiers: Orphanet 474, MedGen C0265275, MONDO:0018770.

Submission:

Labcorp Genetics (formerly Invitae), Labcorp
Classification: Likely pathogenic for Jeune thoracic dystrophy. Last evaluated: 2023-03-03. Review status: criteria provided, single submitter. Criteria: Invitae Variant Classification Sherloc (09022015). Collection method: clinical testing. Allele origin: unknown.
Comment: This variant has not been reported in the literature in individuals affected with DYNC2H1-related conditions. In summary, the currently available evidence indicates that the variant is pathogenic, but additional data are needed to prove that conclusively. Therefore, this variant has been classified as Likely Pathogenic. This variant results in the deletion of exons 21-23 and part of exon 24 (c.2946+1472_3513delins135) of the DYNC2H1 gene. It is expected to disrupt RNA splicing. Variants that disrupt the donor or acceptor splice site typically lead to a loss of protein function (PMID: 16199547), and loss-of-function variants in DYNC2H1 are known to be pathogenic (PMID: 23339108, 32753734).

Literature cited by the submitters: PubMed 16199547; PubMed 23339108; PubMed 32753734.

NC_000011.9:g.(?_103020818)_(103025478_?)del

Gene: DYNC2H1 (dynein cytoplasmic 2 heavy chain 1; plus strand). Cytogenetic location: 11q22.3.
Variant type: Deletion.
Identifiers: ClinVar variation 3244578 (VCV003244578.1).